The following is an entry in ClinVar:

NM_000130.5(F5):c.434G>A (p.Gly145Asp)

Gene: F5 (coagulation factor V; minus strand). Cytogenetic location: 1q24.2.
Variant type: single nucleotide variant.
Coding change: c.434G>A on transcript NM_000130.5 (MANE Select); coding-DNA position 434, G replaced by A.
Protein change: p.Gly145Asp; replaces glycine 145 with aspartic acid.
Molecular consequence: missense variant.
Genome position (GRCh38, 1-based): chr1:169,560,706, C>T on the plus strand (G>A on the coding strand, the complement: F5 is on the minus strand). VCF-style: chr1-169560706-C-T. GRCh37 (hg19) VCF-style: chr1-169529944-C-T.
Other names: short protein forms G145D.
Identifiers: ClinVar variation 1312861 (VCV001312861.3), dbSNP rs752741472, ClinGen allele CA1234609.

ClinVar aggregate classification (germline): Uncertain significance (1 of 4 stars; one submission).

Allele frequency attached by ClinVar (database versions not stated): TOPMed 0.00001; ExAC 0.00002; gnomAD 0.00002; gnomAD exomes 0.00002 and 0.00005.
gnomAD v4.1: 72 of 1,613,430 alleles (0.0045%); highest among the groups gnomAD compares: Non-Finnish European, 0.006%; no homozygotes.

Submission:

GeneDx
Classification: Uncertain significance. Last evaluated: 2025-05-22. Review status: criteria provided, single submitter. Criteria: GeneDx Variant Classification Process June 2021. Collection method: clinical testing. Allele origin: germline. Affected: yes.
Comment: In silico analysis supports that this missense variant has a deleterious effect on protein structure/function; Has not been previously published as pathogenic or benign to our knowledge